The following is an entry in ClinVar:

ClinVar aggregate classification (germline): Uncertain significance (1 of 4 stars; one submission).

Conditions:
Malignant hyperthermia, susceptibility to, 1 (MHS1). Also called: RYR1-Related Malignant Hyperthermia Susceptibility; Anesthesia related hyperthermia; Malignant hyperpyrexia; Fulminating hyperpyrexia; Pharmacogenic myopathy; Malignant hyperthermia suceptibility 1. Identifiers: Orphanet 423, MedGen C2930980, MONDO:0007783, OMIM 145600.

Submission:

All of Us Research Program, National Institutes of Health
Classification: Uncertain significance for Malignant hyperthermia, susceptibility to, 1. Last evaluated: 2023-11-30. Review status: criteria provided, single submitter. Criteria: ACMG Guidelines, 2015. Collection method: clinical testing. Allele origin: germline. Inheritance: Autosomal dominant inheritance. Observed: 2 variant alleles, 2 heterozygotes.
Comment: This study involves interpretation of variants in research participants for the purpose of population health screening. Participant phenotype was not available at the time of variant classification. Additional details can be found in publication PMID: 35346344, PMCID: PMC8962531

NM_000540.3(RYR1):c.9398C>T (p.Thr3133Ile)

Gene: RYR1 (ryanodine receptor 1; plus strand). Cytogenetic location: 19q13.2.
Variant type: single nucleotide variant.
Coding change: c.9398C>T on transcript NM_000540.3 (MANE Select); coding-DNA position 9398, C replaced by T.
Protein change: p.Thr3133Ile; replaces threonine 3133 with isoleucine.
Molecular consequence: missense variant.
Genome position (GRCh38, 1-based): chr19:38,512,409, C>T. VCF-style: chr19-38512409-C-T. GRCh37 (hg19) VCF-style: chr19-39003049-C-T.
Other names: c.9398C>T, p.Thr3133Ile (NM_001042723.2); short protein forms T3133I.
Identifiers: ClinVar variation 3069302 (VCV003069302.1), dbSNP rs2514406874, ClinGen allele CA084573.
Genomic context (GRCh38, chr19:38,512,409, plus strand): 5'-GCAAGGTGTCGCAGGCGCGCACCCAGGTGAAAGGCGTGGGCCAGAACCTCACCTACACCA[C>T]TGTGGCACTGCTGCCGGTCCTCACCACCCTCTTCCAGCACATCGCCCAGCACCAGTTCGG-3'
Protein context (NP_000531.2, residues 3123-3143): KGVGQNLTYT[Thr3133Ile]VALLPVLTTL